The following is an entry in ClinVar:

ClinVar aggregate classification (germline): Uncertain significance (1 of 4 stars; one submission).

Allele frequency attached by ClinVar (database versions not stated): ExAC 0.00007; gnomAD exomes 0.00007 and 0.00016; ESP Exome Variant Server 0.00008; gnomAD 0.00009; TOPMed 0.00011.
gnomAD v4.1: 252 of 1,614,046 alleles (0.016%); highest among the groups gnomAD compares: Non-Finnish European, 0.02%; no homozygotes.

Submission:

Labcorp Genetics (formerly Invitae), Labcorp
Classification: Uncertain significance. Last evaluated: 2025-11-10. Review status: criteria provided, single submitter. Criteria: Invitae Variant Classification Sherloc (09022015). Collection method: clinical testing. Allele origin: germline.
Comment: This sequence change replaces arginine, which is basic and polar, with cysteine, which is neutral and slightly polar, at codon 479 of the SIAE protein (p.Arg479Cys). This variant is present in population databases (rs376857712, gnomAD 0.01%). This missense change has been observed in individual(s) with Crohn's disease or autoimmune disease (PMID: 20555325, 23308255). ClinVar contains an entry for this variant (Variation ID: 1017429). An algorithm developed to predict the effect of missense changes on protein structure and function (PolyPhen-2) suggests that this variant is likely to be disruptive. Experimental studies have shown that this missense change affects SIAE function (PMID: 20555325). In summary, the available evidence is currently insufficient to determine the role of this variant in disease. Therefore, it has been classified as a Variant of Uncertain Significance.

Literature cited by the submitters: PubMed 20555325; PubMed 23308255.

NM_170601.5(SIAE):c.1435C>T (p.Arg479Cys)

Gene: SIAE (sialic acid acetylesterase; minus strand). Cytogenetic location: 11q24.2.
Variant type: single nucleotide variant.
Coding change: c.1435C>T on transcript NM_170601.5 (MANE Select); coding-DNA position 1435, C replaced by T.
Protein change: p.Arg479Cys; replaces arginine 479 with cysteine.
Molecular consequence: missense variant.
Genome position (GRCh38, 1-based): chr11:124,637,088, G>A on the plus strand (C>T on the coding strand, the complement: SIAE is on the minus strand). VCF-style: chr11-124637088-G-A. GRCh37 (hg19) VCF-style: chr11-124506984-G-A.
Other names: c.1330C>T, p.Arg444Cys (NM_001199922.2); short protein forms R444C, R479C.
Identifiers: ClinVar variation 1017429 (VCV001017429.6), dbSNP rs376857712, ClinGen allele CA6341175.
Genomic context (GRCh38, chr11:124,637,088, plus strand): 5'-TACTGGGGTGGTATAGGGGACACTGCTTATATTCACAAGGCCACGTGGTCCAAGCATAGC[G>A]GAGAGCAACCACAGTGCCATGACAAGAATCGATCGCCAGGGTCAGGGACTGGGTGGAGAC-3'
Protein context (NP_733746.1, residues 469-489): DSCHGTVVAL[Arg479Cys]YAWTTWPCEY